The following is an entry in ClinVar:

NM_016239.4(MYO15A):c.9518-11T>C

Gene: MYO15A (myosin XVA; plus strand). Cytogenetic location: 17p11.2.
Variant type: single nucleotide variant.
Coding change: c.9518-11T>C on transcript NM_016239.4 (MANE Select); 11 bases into the intron before coding-DNA position 9518, T replaced by C.
Molecular consequence: intron variant.
Genome position (GRCh38, 1-based): chr17:18,162,574, T>C. VCF-style: chr17-18162574-T-C. GRCh37 (hg19) VCF-style: chr17-18065888-T-C.
Identifiers: ClinVar variation 45775 (VCV000045775.28), dbSNP rs62073604, ClinGen allele CA137033.
Genomic context (GRCh38, chr17:18,162,574, plus strand): 5'-GTGGCAAGAGGAGCGAGCCCCTTTCTCCCACAGTCCACCTTGGGCGAGGCCTGAACTCCC[T>C]GCTTCTGCAGGGATCGCCAAGGCCTGCGAGCAGAACCTGCAGAAAACCTTGCGCTTCGGA-3'

ClinVar aggregate classification (germline): Benign. Review status: criteria provided, multiple submitters, no conflicts (2 of 4 stars). 9 submissions from 9 submitters: Benign (7). 2 of the submissions do not count toward it. Last evaluated 2026-02-04.

Conditions:
Autosomal recessive nonsyndromic hearing loss 3. Also called: NEUROSENSORY NONSYNDROMIC RECESSIVE DEAFNESS 3. Identifiers: Orphanet 90636, MedGen C1838263, MONDO:0010860, OMIM 600316.

Allele frequency attached by ClinVar (database versions not stated): 1000 Genomes Project 0.15695; 1000 Genomes Project 30x 0.16240; gnomAD exomes 0.16876 and 0.18417; ExAC 0.18540; gnomAD 0.18933 and 0.19159; TOPMed 0.19306; ESP Exome Variant Server 0.20385.
gnomAD v4.1: 298,111 of 1,612,884 alleles (18%); highest among the groups gnomAD compares: Middle Eastern, 30%; 29,022 homozygotes.

Submissions (10):

Labcorp Genetics (formerly Invitae), Labcorp
Classification: Benign. Last evaluated: 2026-02-04. Review status: criteria provided, single submitter. Criteria: Invitae Variant Classification Sherloc (09022015). Collection method: clinical testing. Allele origin: germline.

Genome-Nilou Lab
Classification: Benign for Autosomal recessive nonsyndromic hearing loss 3. Last evaluated: 2021-09-05. Review status: criteria provided, single submitter. Criteria: ACMG Guidelines, 2015. Collection method: clinical testing. Allele origin: germline. Affected: no.

GeneDx
Classification: Benign. Last evaluated: 2019-02-14. Review status: criteria provided, single submitter. Criteria: GeneDx Variant Classification Process June 2021. Collection method: clinical testing. Allele origin: germline. Affected: yes.

Illumina Laboratory Services, Illumina
Classification: Benign for Autosomal recessive nonsyndromic hearing loss 3. Last evaluated: 2018-01-13. Review status: criteria provided, single submitter. Criteria: ICSL Variant Classification Criteria 13 December 2019. Collection method: clinical testing. Allele origin: germline.
Comment: This variant was observed in the ICSL laboratory as part of a predisposition screen in an ostensibly healthy population. It had not been previously curated by ICSL or reported in the Human Gene Mutation Database (HGMD: prior to June 1st, 2018), and was therefore a candidate for classification through an automated scoring system. Utilizing variant allele frequency, disease prevalence and penetrance estimates, and inheritance mode, an automated score was calculated to assess if this variant is too frequent to cause the disease. Based on the score and internal cut-off values, a variant classified as benign is not then subjected to further curation. The score for this variant resulted in a classification of benign for this disease.

Laboratory for Molecular Medicine, Mass General Brigham Personalized Medicine
Classification: Benign. Last evaluated: 2012-04-30. Review status: criteria provided, single submitter. Criteria: LMM Criteria. Collection method: clinical testing. Allele origin: germline. Observed: 472 variant alleles.
Comment: 9518-11T>C in Intron 57 of MYO15A: This variant is not expected to have clinical significance because it has been identified in 20.7% (1381/6676) of European Am erican chromosomes from a broad population by the NHLBI Exome Sequencing Project (dbSNP rs62073604).

Breakthrough Genomics
Classification: Benign. Review status: criteria provided, single submitter. Criteria: ACMG Guidelines, 2015. Collection method: not provided. Allele origin: germline. Inheritance: Autosomal recessive inheritance. Affected: yes.

PreventionGenetics, part of Exact Sciences
Classification: Benign. Review status: criteria provided, single submitter. Criteria: ACMG Guidelines, 2015. Collection method: clinical testing. Allele origin: germline.

Diagnostic Laboratory, Department of Genetics, University Medical Center Groningen
Classification: Benign. Review status: no assertion criteria provided. Collection method: clinical testing. Allele origin: germline. Affected: yes. Study: VKGL Data-share Consensus. Not counted in ClinVar's aggregate classification.

Dr. Peter K. Rogan Lab, Western University
No classification provided (evidence only). Condition: Cholangiocarcinoma. Review status: no classification provided. Collection method: in vitro. Allele origin: not applicable. Functional consequence: retained intron. Not counted in ClinVar's aggregate classification.

Joint Genome Diagnostic Labs from Nijmegen and Maastricht, Radboudumc and MUMC+
Classification: Benign. Review status: no assertion criteria provided. Collection method: clinical testing. Allele origin: germline. Affected: yes. Study: VKGL Data-share Consensus. Not counted in ClinVar's aggregate classification.